The following is an entry in ClinVar:

ClinVar aggregate classification (germline): Likely benign (1 of 4 stars; one submission).

Allele frequency attached by ClinVar (database versions not stated): gnomAD 0.00438 and 0.00460; TOPMed 0.00494; 1000 Genomes Project 0.00659; 1000 Genomes Project 30x 0.00703.
gnomAD v4.1: 1,072 of 1,089,510 alleles (0.098%); highest among the groups gnomAD compares: African/African-American, 1.5%; 3 homozygotes.

Submission:

GeneDx
Classification: Likely benign. Last evaluated: 2018-06-19. Review status: criteria provided, single submitter. Criteria: GeneDx Variant Classification (06012015). Collection method: clinical testing. Allele origin: germline. Affected: yes.
Comment: This variant is considered likely benign or benign based on one or more of the following criteria: it is a conservative change, it occurs at a poorly conserved position in the protein, it is predicted to be benign by multiple in silico algorithms, and/or has population frequency not consistent with disease.

NM_004333.6(BRAF):c.240+72A>G

Gene: BRAF (B-Raf proto-oncogene, serine/threonine kinase; minus strand). Cytogenetic location: 7q34.
Variant type: single nucleotide variant.
Coding change: c.240+72A>G on transcript NM_004333.6 (MANE Select); 72 bases into the intron after coding-DNA position 240, A replaced by G.
Molecular consequence: intron variant.
Genome position (GRCh38, 1-based): chr7:140,850,039, T>C on the plus strand (A>G on the coding strand, the complement: BRAF is on the minus strand). VCF-style: chr7-140850039-T-C. GRCh37 (hg19) VCF-style: chr7-140549839-T-C.
Other names: c.240+72A>G (NM_001378474.1, NM_001378475.1, NM_001378471.1 and 6 more transcripts); c.139-15167A>G (NM_001378470.1); c.84+72A>G (NM_001378472.1, NM_001378473.1).
Identifiers: ClinVar variation 561448 (VCV000561448.1), dbSNP rs71645941, ClinGen allele CA168131404.